The following is an entry in ClinVar:

NM_004329.3(BMPR1A):c.1435T>C (p.Leu479=)

Gene: BMPR1A (bone morphogenetic protein receptor type 1A; plus strand). Cytogenetic location: 10q23.2.
Variant type: single nucleotide variant.
Coding change: c.1435T>C on transcript NM_004329.3 (MANE Select); coding-DNA position 1435, T replaced by C.
Protein change: p.Leu479=; no amino-acid change (leucine 479 retained).
Molecular consequence: synonymous variant.
Genome position (GRCh38, 1-based): chr10:86,923,468, T>C. VCF-style: chr10-86923468-T-C. GRCh37 (hg19) VCF-style: chr10-88683225-T-C.
Identifiers: ClinVar variation 630948 (VCV000630948.13), dbSNP rs1564725667, ClinGen allele CA470308617.

ClinVar aggregate classification (germline): Benign/Likely benign. Review status: criteria provided, multiple submitters, no conflicts (2 of 4 stars). 4 submissions from 4 submitters: Benign (1); Likely benign (3). Last evaluated 2025-03-04.

Conditions:
Juvenile polyposis syndrome (JPS). Identifiers: Orphanet 2929, MedGen C0345893, MONDO:0017380, OMIM 174900.
Hereditary cancer-predisposing syndrome. Also called: Hereditary Cancer Syndrome; Neoplastic Syndromes, Hereditary; Tumor predisposition; Hereditary neoplastic syndrome. Identifiers: Orphanet 140162, MedGen C0027672, MeSH D009386, MONDO:0015356.

Submissions (4):

Center for Genomic Medicine, Rigshospitalet, Copenhagen University Hospital
Classification: Likely benign. Last evaluated: 2025-03-04. Review status: criteria provided, single submitter. Criteria: ACMG Guidelines, 2015. Collection method: clinical testing. Allele origin: germline.

Myriad Genetics, Inc.
Classification: Benign for Juvenile polyposis syndrome. Last evaluated: 2024-08-08. Review status: criteria provided, single submitter. Criteria: Myriad Autosomal Dominant, Autosomal Recessive and X-Linked Classification Criteria (2023). Collection method: clinical testing. Allele origin: unknown.
Comment: This variant is considered benign. This variant is a silent/synonymous amino acid change and it is not expected to impact splicing.

Labcorp Genetics (formerly Invitae), Labcorp
Classification: Likely benign for Juvenile polyposis syndrome. Last evaluated: 2021-10-13. Review status: criteria provided, single submitter. Criteria: Invitae Variant Classification Sherloc (09022015). Collection method: clinical testing. Allele origin: germline.

Color Diagnostics, LLC DBA Color Health
Classification: Likely benign for Hereditary cancer-predisposing syndrome. Last evaluated: 2017-12-04. Review status: criteria provided, single submitter. Criteria: ACMG Guidelines, 2015. Collection method: clinical testing. Allele origin: germline.